The following is an entry in ClinVar:

ClinVar aggregate classification (germline): Pathogenic/Likely pathogenic. Review status: criteria provided, multiple submitters, no conflicts (2 of 4 stars). 3 submissions from 3 submitters: Pathogenic (2); Likely pathogenic (1). Last evaluated 2026-04-08.

Conditions:
Usher syndrome type 1 (USH1). Also called: RETINITIS PIGMENTOSA AND CONGENITAL DEAFNESS. Identifiers: Orphanet 231169, Orphanet 886, MedGen C1568247, MONDO:0010168, OMIM 276900.

Allele frequency attached by ClinVar (database versions not stated): gnomAD exomes below 0.00001.
gnomAD v4.1: 1 of 1,547,826 alleles (0.000065%); highest among the groups gnomAD compares: Non-Finnish European, 0.000087%; no homozygotes.

Submissions (3):

GeneDx
Classification: Pathogenic. Last evaluated: 2026-04-08. Review status: criteria provided, single submitter. Criteria: GeneDx Variant Classification Process June 2021. Collection method: clinical testing. Allele origin: germline.
Comment: Not observed at significant frequency in large population cohorts (gnomAD); Canonical splice site variant predicted to result in a null allele in a gene for which loss of function is a known mechanism of disease; This variant is associated with the following publications: (PMID: 27460420, 38927702)

Labcorp Genetics (formerly Invitae), Labcorp
Classification: Pathogenic. Last evaluated: 2025-09-18. Review status: criteria provided, single submitter. Criteria: Invitae Variant Classification Sherloc (09022015). Collection method: clinical testing. Allele origin: germline.
Comment: This sequence change affects an acceptor splice site in intron 37 of the MYO7A gene. It is expected to disrupt RNA splicing. Variants that disrupt the donor or acceptor splice site typically lead to a loss of protein function (PMID: 16199547), and loss-of-function variants in MYO7A are known to be pathogenic (PMID: 8900236, 25404053). This variant is not present in population databases (gnomAD no frequency). Disruption of this splice site has been observed in individual(s) with Usher syndrome (PMID: 27460420). ClinVar contains an entry for this variant (Variation ID: 1068100). Algorithms developed to predict the effect of sequence changes on RNA splicing suggest that this variant may disrupt the consensus splice site. For these reasons, this variant has been classified as Pathogenic.

Myriad Genetics, Inc.
Classification: Likely pathogenic for Usher syndrome type 1. Last evaluated: 2025-04-28. Review status: criteria provided, single submitter. Criteria: Myriad Autosomal Dominant, Autosomal Recessive and X-Linked Classification Criteria (2023). Collection method: clinical testing. Allele origin: unknown.
Comment: NM_000260.3(MYO7A):c.5169-2A>G is a variant in a canonical splice site classified as likely pathogenic in the context of MYO7A-related disorders. c.5169-2A>G has been observed in a case with relevant disease (PMID: 27460420). Relevant functional assessments of this variant are not available in the literature. c.5169-2A>G has not been observed in referenced population frequency databases. In summary, NM_000260.3(MYO7A):c.5169-2A>G is a variant in a canonical splice site in a gene where loss of function is a known mechanism of disease, is predicted to disrupt protein function, and has been observed more frequently in cases with the relevant disease than in healthy populations. Please note: this variant was assessed in the context of healthy population screening.

Literature cited by the submitters: PubMed 16199547 (cited by Labcorp Genetics (formerly Invitae), Labcorp); PubMed 8900236 (cited by Labcorp Genetics (formerly Invitae), Labcorp); PubMed 25404053 (cited by Labcorp Genetics (formerly Invitae), Labcorp); PubMed 27460420 (cited by Labcorp Genetics (formerly Invitae), Labcorp and Myriad Genetics, Inc.).

NM_000260.4(MYO7A):c.5169-2A>G

Gene: MYO7A (myosin VIIA; plus strand). Cytogenetic location: 11q13.5.
Variant type: single nucleotide variant.
Coding change: c.5169-2A>G on transcript NM_000260.4 (MANE Select); the canonical splice acceptor site of the intron before coding-DNA position 5169, A replaced by G.
Molecular consequence: splice acceptor variant.
Genome position (GRCh38, 1-based): chr11:77,203,058, A>G. VCF-style: chr11-77203058-A-G. GRCh37 (hg19) VCF-style: chr11-76914103-A-G.
Other names: c.5022-2A>G (NM_001369365.1); c.5055-2A>G (NM_001127180.2).
Identifiers: ClinVar variation 1068100 (VCV001068100.11), dbSNP rs2135712224, ClinGen allele CA381951951.
Genomic context (GRCh38, chr11:77,203,058, plus strand): 5'-GGGGGTTTCTCCCCGGGGCTGCCAGCGATGGGGCGTTGCTGACGGTCCCTGTGCTGCGGC[A>G]GGCCCCCACCCAAGCACACGCTGAGCCGTGTCATGGTGTCCAAGGCCCGAGGCAAGGACC-3'